The following is an entry in ClinVar:

ClinVar aggregate classification (germline): Pathogenic/Likely pathogenic. Review status: criteria provided, multiple submitters, no conflicts (2 of 4 stars). 3 submissions from 3 submitters: Pathogenic (2); Likely pathogenic (1). Last evaluated 2025-11-24.

Conditions:
Pontocerebellar hypoplasia type 6 (PCH6). Identifiers: Orphanet 166073, MedGen C1969084, MONDO:0012683, OMIM 611523.

Submissions (3):

Natera, Inc.
Classification: Likely pathogenic for Pontocerebellar hypoplasia, type 6. Last evaluated: 2025-11-24. Review status: criteria provided, single submitter. Criteria: Natera Variant Classification Schema (03/2026). Collection method: clinical testing. Allele origin: germline.
Comment: The c.2T>C variant in RARS2 is predicted to result in start loss due to disruption of the initiator methionine. This variant is expected to result in nonsense mediated decay, truncation, or a dysfunctional protein product. This variant is rare in the general population with a frequency below the threshold expected for the associated phenotype(s). This variant has been observed in one or more individuals affected with the associated recessive disease, as either homozygous or compound heterozygous with a second variant (PMID: 30791064). Given the available evidence, this variant is classified as Likely Pathogenic.

Fulgent Genetics
Classification: Pathogenic for Pontocerebellar hypoplasia type 6. Last evaluated: 2024-05-02. Review status: criteria provided, single submitter. Criteria: ACMG Guidelines, 2015. Collection method: clinical testing. Allele origin: germline.

Labcorp Genetics (formerly Invitae), Labcorp
Classification: Pathogenic. Last evaluated: 2022-08-12. Review status: criteria provided, single submitter. Criteria: Invitae Variant Classification Sherloc (09022015). Collection method: clinical testing. Allele origin: germline.
Comment: For these reasons, this variant has been classified as Pathogenic. This variant disrupts a region of the RARS2 protein in which other variant(s) (p.Lys158del) have been determined to be pathogenic (PMID: 22086604, 27061686). This suggests that this is a clinically significant region of the protein, and that variants that disrupt it are likely to be disease-causing. ClinVar contains an entry for this variant (Variation ID: 1452675). Disruption of the initiator codon has been observed in individual(s) with pontocerebellar hypoplasia (PMID: 26083569). It has also been observed to segregate with disease in related individuals. This variant is present in population databases (rs199862050, gnomAD 0.004%). This sequence change affects the initiator methionine of the RARS2 mRNA. The next in-frame methionine is located at codon 176.

Literature cited by the submitters: PubMed 30791064 (cited by Natera, Inc.); PubMed 22086604 (cited by Labcorp Genetics (formerly Invitae), Labcorp); PubMed 27061686 (cited by Labcorp Genetics (formerly Invitae), Labcorp); PubMed 26083569 (cited by Labcorp Genetics (formerly Invitae), Labcorp).

NM_020320.5(RARS2):c.2T>C (p.Met1Thr)

Gene: RARS2 (arginyl-tRNA synthetase 2, mitochondrial; minus strand). Cytogenetic location: 6q15.
Variant type: single nucleotide variant.
Coding change: c.2T>C on transcript NM_020320.5 (MANE Select); coding-DNA position 2, T replaced by C.
Protein change: p.Met1Thr; changes the start codon (methionine 1).
Molecular consequence: missense variant, initiator codon variant. On other transcripts: 5 prime UTR variant (7), non-coding transcript variant (23).
Genome position (GRCh38, 1-based): chr6:87,589,956, A>G on the plus strand (T>C on the coding strand, the complement: RARS2 is on the minus strand). VCF-style: chr6-87589956-A-G. GRCh37 (hg19) VCF-style: chr6-88299674-A-G.
Other names: c.-689T>C (NM_001318785.2); c.2T>C, p.Met1Thr (NM_001350505.2); c.-745T>C (NM_001350506.2, NM_001350510.2); c.-868T>C (NM_001350507.2); c.-907T>C (NM_001350508.2); c.-615T>C (NM_001350509.2); c.-864T>C (NM_001350511.2); c.2T>C (NM_020320.4); short protein forms M1T.
Identifiers: ClinVar variation 1452675 (VCV001452675.8), dbSNP rs199862050, ClinGen allele CA3916861.